The following is an entry in ClinVar:

NM_020919.4(ALS2):c.218G>A (p.Gly73Glu)

Gene: ALS2 (alsin Rho guanine nucleotide exchange factor ALS2; minus strand). Cytogenetic location: 2q33.1.
Variant type: single nucleotide variant.
Coding change: c.218G>A on transcript NM_020919.4 (MANE Select); coding-DNA position 218, G replaced by A.
Protein change: p.Gly73Glu; replaces glycine 73 with glutamic acid.
Molecular consequence: missense variant.
Genome position (GRCh38, 1-based): chr2:201,761,776, C>T on the plus strand (G>A on the coding strand, the complement: ALS2 is on the minus strand). VCF-style: chr2-201761776-C-T. GRCh37 (hg19) VCF-style: chr2-202626499-C-T.
Other names: c.218G>A, p.Gly73Glu (NM_001135745.2); short protein forms G73E.
Identifiers: ClinVar variation 644325 (VCV000644325.10), dbSNP rs754181704, ClinGen allele CA63972010.
Genomic context (GRCh38, chr2:201,761,776, plus strand): 5'-ACATATTGCCCAACCAGGGCATTTTCTAGAATGGGGCTACTTGGACAAATCTCCACTGGT[C>T]CACTTCTCCAGGGAAGAGTCCCAAAGCTGTAGACCTCACCATCTGAAGGTTAAAAAAAAG-3'
Protein context (NP_065970.2, residues 63-83): YSFGTLPWRS[Gly73Glu]PVEICPSSPI

ClinVar aggregate classification (germline): Uncertain significance (1 of 4 stars; one submission).

Conditions:
Infantile-onset ascending hereditary spastic paralysis (IAHSP). Also called: Autosomal Recessive Juvenile Amyotrophic Lateral Sclerosis; Infantile-Onset Ascending Hereditary Spastic Paralysis (IAHSP). Identifiers: Orphanet 293168, MedGen C2931441, MONDO:0011797, OMIM 607225. Disease mechanism: loss of function.

Allele frequency attached by ClinVar (database versions not stated): TOPMed below 0.00001.

Submission:

Labcorp Genetics (formerly Invitae), Labcorp
Classification: Uncertain significance for Infantile-onset ascending hereditary spastic paralysis. Last evaluated: 2021-03-31. Review status: criteria provided, single submitter. Criteria: Invitae Variant Classification Sherloc (09022015). Collection method: clinical testing. Allele origin: germline.
Comment: In summary, the available evidence is currently insufficient to determine the role of this variant in disease. Therefore, it has been classified as a Variant of Uncertain Significance. Algorithms developed to predict the effect of missense changes on protein structure and function output the following: SIFT: "Tolerated"; PolyPhen-2: "Benign"; Align-GVGD: "Class C0". The glutamic acid amino acid residue is found in multiple mammalian species, suggesting that this missense change does not adversely affect protein function. These predictions have not been confirmed by published functional studies and their clinical significance is uncertain. This variant has not been reported in the literature in individuals with ALS2-related disease. This variant is not present in population databases (ExAC no frequency). This sequence change replaces glycine with glutamic acid at codon 73 of the ALS2 protein (p.Gly73Glu). The glycine residue is weakly conserved and there is a moderate physicochemical difference between glycine and glutamic acid.